The following is an entry in ClinVar:

ClinVar aggregate classification (germline): Uncertain significance (1 of 4 stars; one submission).

Conditions:
Epidermolysis bullosa simplex 3, localized or generalized intermediate, with BP230 deficiency (EBS3). Also called: Epidermolysis bullosa simplex due to BP230 deficiency; Epidermolysis bullosa simplex, autosomal recessive 2. Identifiers: Orphanet 412181, MedGen C3809470, MONDO:0014180, OMIM 615425.
Hereditary sensory and autonomic neuropathy type 6. Also called: Neuropathy, hereditary sensory and autonomic, type VI; HSAN VI. Identifiers: Orphanet 314381, MedGen C3539003, MONDO:0013839, OMIM 614653.

Allele frequency attached by ClinVar (database versions not stated): gnomAD exomes 0.00002 and 0.00014; TOPMed 0.00005; gnomAD 0.00006 and 0.00008; ExAC 0.00012; 1000 Genomes Project 30x 0.00031; 1000 Genomes Project 0.00040.
gnomAD v4.1: 45 of 1,613,860 alleles (0.0028%); highest among the groups gnomAD compares: East Asian, 0.094%; no homozygotes.

Submission:

Labcorp Genetics (formerly Invitae), Labcorp
Classification: Uncertain significance for Epidermolysis bullosa simplex 3, localized or generalized intermediate, with BP230 deficiency; Hereditary sensory and autonomic neuropathy type 6. Last evaluated: 2022-06-14. Review status: criteria provided, single submitter. Criteria: Invitae Variant Classification Sherloc (09022015). Collection method: clinical testing. Allele origin: germline.
Comment: This sequence change replaces leucine, which is neutral and non-polar, with serine, which is neutral and polar, at codon 495 of the DST protein (p.Leu495Ser). This variant is present in population databases (rs199657045, gnomAD 0.2%). This variant has not been reported in the literature in individuals affected with DST-related conditions. ClinVar contains an entry for this variant (Variation ID: 647261). Algorithms developed to predict the effect of missense changes on protein structure and function (SIFT, PolyPhen-2, Align-GVGD) all suggest that this variant is likely to be disruptive. In summary, the available evidence is currently insufficient to determine the role of this variant in disease. Therefore, it has been classified as a Variant of Uncertain Significance.

NM_001374736.1(DST):c.3095T>C (p.Leu1032Ser)

Gene: DST (dystonin; minus strand). Cytogenetic location: 6p12.1.
Variant type: single nucleotide variant.
Coding change: c.3095T>C on transcript NM_001374736.1 (MANE Select); coding-DNA position 3095, T replaced by C.
Protein change: p.Leu1032Ser; replaces leucine 1032 with serine.
Molecular consequence: missense variant.
Genome position (GRCh38, 1-based): chr6:56,635,680, A>G on the plus strand (T>C on the coding strand, the complement: DST is on the minus strand). VCF-style: chr6-56635680-A-G. GRCh37 (hg19) VCF-style: chr6-56500478-A-G.
Other names: c.2996T>C, p.Leu999Ser (NM_001144769.5); c.2582T>C, p.Leu861Ser (NM_001144770.2); c.3095T>C, p.Leu1032Ser (NM_001374722.1); c.2462T>C, p.Leu821Ser (NM_001374729.1, NM_001374730.1, NM_001386100.1 and 1 more transcripts); c.3122T>C, p.Leu1041Ser (NM_001374734.1); c.1484T>C, p.Leu495Ser (NM_001723.7, NM_015548.5); short protein forms L861S, L999S, L495S, L821S, L1032S, L1041S.
Identifiers: ClinVar variation 647261 (VCV000647261.6), dbSNP rs199657045, ClinGen allele CA3871234.